The following is an entry in ClinVar:

NM_005228.5(EGFR):c.29C>A (p.Ala10Glu)

Gene: EGFR (epidermal growth factor receptor; plus strand). Cytogenetic location: 7p11.2.
Variant type: single nucleotide variant.
Coding change: c.29C>A on transcript NM_005228.5 (MANE Select); coding-DNA position 29, C replaced by A.
Protein change: p.Ala10Glu; replaces alanine 10 with glutamic acid.
Molecular consequence: missense variant.
Genome position (GRCh38, 1-based): chr7:55,019,306, C>A. VCF-style: chr7-55019306-C-A. GRCh37 (hg19) VCF-style: chr7-55086999-C-A.
Other names: c.29C>A (NM_005228.3); c.29C>A, p.Ala10Glu (NM_001346897.2, NM_001346898.2, NM_001346899.2 and 4 more transcripts); short protein forms A10E.
Identifiers: ClinVar variation 1441042 (VCV001441042.9), dbSNP rs1217714114, ClinGen allele CA367611209.

ClinVar aggregate classification (germline): Uncertain significance. Review status: criteria provided, multiple submitters, no conflicts (2 of 4 stars). 2 submissions from 2 submitters: Uncertain significance (2). Last evaluated 2025-07-27.

Conditions:
EGFR-related lung cancer (EGFR). Identifiers: MedGen CN130014.
Hereditary cancer-predisposing syndrome. Also called: Tumor predisposition; Hereditary Cancer Syndrome; Hereditary neoplastic syndrome; Neoplastic Syndromes, Hereditary. Identifiers: Orphanet 140162, MedGen C0027672, MeSH D009386, MONDO:0015356.

Allele frequency attached by ClinVar (database versions not stated): gnomAD 0.00001; TOPMed 0.00002.
gnomAD v4.1: 4 of 1,516,690 alleles (0.00026%); highest among the groups gnomAD compares: African/African-American, 0.0014%; no homozygotes.

Submissions (2):

Labcorp Genetics (formerly Invitae), Labcorp
Classification: Uncertain significance for EGFR-related lung cancer. Last evaluated: 2025-07-27. Review status: criteria provided, single submitter. Criteria: Invitae Variant Classification Sherloc (09022015). Collection method: clinical testing. Allele origin: germline.
Comment: This sequence change replaces alanine, which is neutral and non-polar, with glutamic acid, which is acidic and polar, at codon 10 of the EGFR protein (p.Ala10Glu). The frequency data for this variant in the population databases is considered unreliable, as metrics indicate poor data quality at this position in the gnomAD database. This variant has not been reported in the literature in individuals affected with EGFR-related conditions. ClinVar contains an entry for this variant (Variation ID: 1441042). An algorithm developed to predict the effect of missense changes on protein structure and function (PolyPhen-2) suggests that this variant is likely to be tolerated. In summary, the available evidence is currently insufficient to determine the role of this variant in disease. Therefore, it has been classified as a Variant of Uncertain Significance.

Ambry Genetics
Classification: Uncertain significance for Hereditary cancer-predisposing syndrome. Last evaluated: 2025-03-03. Review status: criteria provided, single submitter. Criteria: Ambry Variant Classification Scheme 2023. Collection method: clinical testing. Allele origin: germline.
Comment: The p.A10E variant (also known as c.29C>A), located in coding exon 1 of the EGFR gene, results from a C to A substitution at nucleotide position 29. The alanine at codon 10 is replaced by glutamic acid, an amino acid with dissimilar properties. This amino acid position is well conserved in available vertebrate species. In addition, the in silico prediction for this alteration is inconclusive. Based on the available evidence, the clinical significance of this variant remains unclear.